The following is an entry in ClinVar:

ClinVar aggregate classification (germline): Pathogenic/Likely pathogenic. Review status: criteria provided, multiple submitters, no conflicts (2 of 4 stars). 4 submissions from 4 submitters: Pathogenic (3); Likely pathogenic (1). Last evaluated 2025-08-17.

Conditions:
Autosomal dominant nonsyndromic hearing loss 22. Also called: Autosomal dominant nonsyndromic deafness 22; DFNA 22. Identifiers: Orphanet 228012, MedGen C2931767, MONDO:0011660, OMIM 606346.
MYO6-related disorder. Also called: MYO6-related condition; MYO6-related disorders.
Inborn genetic diseases. Identifiers: MedGen C0950123, MeSH D030342.

Allele frequency attached by ClinVar (database versions not stated): gnomAD 0.00001; 1000 Genomes Project 30x 0.00016; 1000 Genomes Project 0.00020.
gnomAD v4.1: 5 of 1,613,516 alleles (0.00031%); highest among the groups gnomAD compares: South Asian, 0.0011%; no homozygotes.

Submissions (4):

Ambry Genetics
Classification: Pathogenic for Inborn genetic diseases. Last evaluated: 2025-08-17. Review status: criteria provided, single submitter. Criteria: Ambry Variant Classification Scheme 2023. Collection method: clinical testing. Allele origin: germline.
Comment: The c.613C>T (p.R205*) alteration, located in exon 8 (coding exon 7) of the MYO6 gene, consists of a C to T substitution at nucleotide position 613. This changes the amino acid from a arginine (R) to a stop codon at amino acid position 205. This alteration is expected to result in loss of function by premature protein truncation or nonsense-mediated mRNA decay. Based on data from gnomAD, the T allele has an overall frequency of <0.001% (1/251244) total alleles studied. The highest observed frequency was 0.003% (1/30608) of South Asian alleles. This variant was reported in individuals with features consistent with autosomal dominant MYO6-related deafness (Choi, 2013; Kim, 2018; Morgan, 2020). Based on the available evidence, this alteration is classified as pathogenic.

GeneDx
Classification: Pathogenic. Last evaluated: 2025-03-19. Review status: criteria provided, single submitter. Criteria: GeneDx Variant Classification Process June 2021. Collection method: clinical testing. Allele origin: germline. Affected: yes.
Comment: Nonsense variant predicted to result in protein truncation or nonsense mediated decay in a gene for which loss of function is a known mechanism of disease; Not observed at significant frequency in large population cohorts (gnomAD); This variant is associated with the following publications: (PMID: 29607572, 23990876, 33105617, 34599366)

PreventionGenetics, part of Exact Sciences
Classification: Pathogenic for MYO6-related condition. Last evaluated: 2023-03-27. Review status: criteria provided, single submitter. Criteria: ACMG Guidelines, 2015. Collection method: clinical testing. Allele origin: germline.
Comment: The MYO6 c.613C>T variant is predicted to result in premature protein termination (p.Arg205*). This variant has been reported as causative for autosomal dominant nonsyndromic sensorineural hearing loss (Choi et al. 2013. PubMed ID: 23990876; Kim et al. 2018. PubMed ID: 29607572; Morgan et al. 2020. PubMed ID: 33105617). This variant is reported in 0.0033% of alleles in individuals of South Asian descent in gnomAD. Nonsense variants in MYO6 are expected to be pathogenic. This variant is interpreted as pathogenic.

Clinical Genetics Service, Universitary Hospital 12 de Octubre
Classification: Likely pathogenic for Autosomal dominant nonsyndromic hearing loss 22. Review status: criteria provided, single submitter. Criteria: ACMG Guidelines, 2015. Collection method: clinical testing. Allele origin: germline. Affected: yes.

Literature cited by the submitters: PubMed 23990876 (cited by Ambry Genetics); PubMed 29607572 (cited by Ambry Genetics); PubMed 33105617 (cited by Ambry Genetics).

NM_004999.4(MYO6):c.613C>T (p.Arg205Ter)

Gene: MYO6 (myosin VI; plus strand). Cytogenetic location: 6q14.1.
Variant type: single nucleotide variant.
Coding change: c.613C>T on transcript NM_004999.4 (MANE Select); coding-DNA position 613, C replaced by T.
Protein change: p.Arg205Ter; replaces arginine 205 with a stop codon.
Molecular consequence: nonsense. On other transcripts: non-coding transcript variant (2).
Genome position (GRCh38, 1-based): chr6:75,840,644, C>T. VCF-style: chr6-75840644-C-T. GRCh37 (hg19) VCF-style: chr6-76550361-C-T.
Other names: c.613C>T, p.Arg205Ter (NM_001300899.2, NM_001368136.1, NM_001368137.1 and 4 more transcripts); c.598C>T, p.Arg200Ter (NM_001368138.1); short protein forms R200*, R205*.
Identifiers: ClinVar variation 2637184 (VCV002637184.4), dbSNP rs557441143, ClinGen allele CA3896911.